The following is an entry in ClinVar:

ClinVar aggregate classification (germline): Uncertain significance (1 of 4 stars; one submission).

Conditions:
Holoprosencephaly 9 (HPE9). Also called: PITUITARY ANOMALIES WITH HOLOPROSENCEPHALY-LIKE FEATURES; HOLOPROSENCEPHALY WITH MICROPHTHALMIA AND FIRST BRANCHIAL ARCH ANOMALIES. Identifiers: Orphanet 2162, MedGen C1835819, MONDO:0012563, OMIM 610829.
Postaxial polydactyly-anterior pituitary anomalies-facial dysmorphism syndrome. Also called: Culler-Jones syndrome. Identifiers: Orphanet 420584, MedGen C4014479, MONDO:0014369, OMIM 615849.

gnomAD v4.1: 14 of 1,613,648 alleles (0.00087%); highest among the groups gnomAD compares: Middle Eastern, 0.033%; no homozygotes.

Submission:

Labcorp Genetics (formerly Invitae), Labcorp
Classification: Uncertain significance for Postaxial polydactyly-anterior pituitary anomalies-facial dysmorphism syndrome; Holoprosencephaly 9. Last evaluated: 2025-09-01. Review status: criteria provided, single submitter. Criteria: Invitae Variant Classification Sherloc (09022015). Collection method: clinical testing. Allele origin: germline.
Comment: This sequence change replaces proline, which is neutral and non-polar, with leucine, which is neutral and non-polar, at codon 1440 of the GLI2 protein (p.Pro1440Leu). This variant is not present in population databases (gnomAD no frequency). This variant has not been reported in the literature in individuals affected with GLI2-related conditions. An algorithm developed to predict the effect of missense changes on protein structure and function (PolyPhen-2) suggests that this variant is likely to be tolerated. In summary, the available evidence is currently insufficient to determine the role of this variant in disease. Therefore, it has been classified as a Variant of Uncertain Significance.

NM_001374353.1(GLI2):c.4268C>T (p.Pro1423Leu)

Gene: GLI2 (GLI family zinc finger 2; plus strand). Cytogenetic location: 2q14.2.
Variant type: single nucleotide variant.
Coding change: c.4268C>T on transcript NM_001374353.1 (MANE Select); coding-DNA position 4268, C replaced by T.
Protein change: p.Pro1423Leu; replaces proline 1423 with leucine.
Molecular consequence: missense variant.
Genome position (GRCh38, 1-based): chr2:120,990,233, C>T. VCF-style: chr2-120990233-C-T. GRCh37 (hg19) VCF-style: chr2-121747809-C-T.
Other names: c.4319C>T, p.Pro1440Leu (NM_001371271.1, NM_005270.5); c.3893C>T, p.Pro1298Leu (NM_001374354.1); short protein forms P1440L, P1298L, P1423L.
Identifiers: ClinVar variation 4788029 (VCV004788029.1), dbSNP rs267598856.